The following is an entry in ClinVar:

NM_001267550.2(TTN):c.45769C>T (p.Gln15257Ter)

Gene: TTN (titin; minus strand). Cytogenetic location: 2q31.2.
Variant type: single nucleotide variant.
Coding change: c.45769C>T on transcript NM_001267550.2 (MANE Select); coding-DNA position 45769, C replaced by T.
Protein change: p.Gln15257Ter; replaces glutamine 15257 with a stop codon.
Molecular consequence: nonsense.
Genome position (GRCh38, 1-based): chr2:178,620,841, G>A on the plus strand (C>T on the coding strand, the complement: TTN is on the minus strand). VCF-style: chr2-178620841-G-A. GRCh37 (hg19) VCF-style: chr2-179485568-G-A.
Other names: c.40846C>T, p.Gln13616Ter (NM_001256850.1); c.18574C>T, p.Gln6192Ter (NM_003319.4); c.38065C>T, p.Gln12689Ter (NM_133378.4); c.18949C>T, p.Gln6317Ter (NM_133432.3); c.19150C>T, p.Gln6384Ter (NM_133437.4); short protein forms Q12689*, Q13616*, Q6384*, Q15257*, Q6192*, Q6317*.
Identifiers: ClinVar variation 1473445 (VCV001473445.7), dbSNP rs2154211378, ClinGen allele CA349631872.
Genomic context (GRCh38, chr2:178,620,841, plus strand): 5'-AGTTGGCTTGGTCATCTAAGTGTGCATCTCTAATTCTGAGGGTGTAGACTAGGTCTTTTT[G>A]GAGAATGATGTATTTTGAACTATCAAATATAGCTTCTTCATTTCTGAACCATTTGGCTTT-3'

ClinVar aggregate classification (germline): Likely pathogenic. Review status: criteria provided, multiple submitters, no conflicts (2 of 4 stars). 2 submissions from 2 submitters: Likely pathogenic (2). Last evaluated 2026-02-16.

Conditions:
Dilated cardiomyopathy 1G (CMD1G). Identifiers: Orphanet 154, MedGen C1858763, MONDO:0011400, OMIM 604145.
Autosomal recessive limb-girdle muscular dystrophy type 2J (LGMDR10). Also called: Limb-girdle muscular dystrophy, type 2J; MUSCULAR DYSTROPHY, LIMB-GIRDLE, AUTOSOMAL RECESSIVE 10. Identifiers: Orphanet 140922, MedGen C1837342, MONDO:0012127, OMIM 608807.
Primary familial dilated cardiomyopathy (FDC). Also called: Familial dilated cardiomyopathy; Hypokinetic dilated cardiomyopathy, familial. Identifiers: Orphanet 217607, MedGen C0340427, MONDO:0016333.

Submissions (2):

Women's Health and Genetics/Laboratory Corporation of America, LabCorp
Classification: Likely pathogenic for Primary familial dilated cardiomyopathy. Last evaluated: 2026-02-16. Review status: criteria provided, single submitter. Criteria: LabCorp Variant Classification Summary - May 2015. Collection method: clinical testing. Allele origin: germline.
Comment: Variant summary: TTN NM_133378: c.38065C>T (p.Gln12689X), also known as NM_001267550: c.45769C>T (p.Gln15257X), results in a premature termination codon, predicted to cause a truncation of the encoded protein or absence of the protein due to nonsense mediated decay, which are commonly known mechanisms for disease. Loss of function variants in all TTN bands are strongly associated with a spectrum of autosomal recessive titinopathies when exon expression (proportion spliced in, PSI, 1=complete expression) in skeletal muscle is >0.1 (PMID: 36977548, 39198997, 29598826, 32778822, 29691892, 33449170, 36977548, internal data). In contrast, loss of function variants in all TTN bands are only strongly associated with autosomal dominant TTN-related cardiomyopathies if located in exons constitutively expressed (PSI >0.9) in cardiac muscle, excluding extreme C-terminal exons 359-363 (PMID: 25589632, 31216868, 32964742, 34662387, 27869827, Shetty et al., Nat Cardiovasc Res 2024,, internal data). This variant has a maximum skeletal muscle PSI of 0.978 and a maximum cardiac muscle PSI of 1.000. The frequency data for this variant in gnomAD is considered unreliable, as metrics indicate poor data quality at this position. To our knowledge, no occurrence of c.38065C>T in individuals affected with TTN-related conditions and no experimental evidence demonstrating its impact on protein function have been reported. ClinVar contains an entry for this variant (Variation ID: 1473445). Based on the evidence outlined above, the variant was classified as likely pathogenic for both autosomal dominant and autosomal recessive TTN-related conditions.

Labcorp Genetics (formerly Invitae), Labcorp
Classification: Likely pathogenic for Dilated cardiomyopathy 1G; Autosomal recessive limb-girdle muscular dystrophy type 2J. Last evaluated: 2024-10-28. Review status: criteria provided, single submitter. Criteria: Invitae Variant Classification Sherloc (09022015). Collection method: clinical testing. Allele origin: germline.
Comment: This sequence change creates a premature translational stop signal (p.Gln15257*) in the TTN gene. While this is not anticipated to result in nonsense mediated decay, it is expected to create a truncated TTN protein. This variant is not present in population databases (gnomAD no frequency). This variant has not been reported in the literature in individuals affected with TTN-related conditions. ClinVar contains an entry for this variant (Variation ID: 1473445). This variant is located in the I band of TTN (PMID: 25589632). Truncating variants in this region have been reported in individuals affected with autosomal recessive centronuclear myopathy (PMID: 23975875, internal data). Truncating variants in this region have also been identified in individuals affected with autosomal dominant dilated cardiomyopathy and/or cardio-related conditions (PMID: 27869827, 32964742, internal data). In summary, the currently available evidence indicates that the variant is pathogenic, but additional data are needed to prove that conclusively. Therefore, this variant has been classified as Likely Pathogenic.

Literature cited by the submitters: PubMed 25589632 (cited by Labcorp Genetics (formerly Invitae), Labcorp); PubMed 23975875 (cited by Labcorp Genetics (formerly Invitae), Labcorp); PubMed 27869827 (cited by Labcorp Genetics (formerly Invitae), Labcorp); PubMed 32964742 (cited by Labcorp Genetics (formerly Invitae), Labcorp).